The following is an entry in ClinVar:

NM_138694.4(PKHD1):c.7684G>A (p.Gly2562Ser)

Gene: PKHD1 (PKHD1 ciliary IPT domain containing fibrocystin/polyductin; minus strand). Cytogenetic location: 6p12.2.
Variant type: single nucleotide variant.
Coding change: c.7684G>A on transcript NM_138694.4 (MANE Select); coding-DNA position 7684, G replaced by A.
Protein change: p.Gly2562Ser; replaces glycine 2562 with serine.
Molecular consequence: missense variant.
Genome position (GRCh38, 1-based): chr6:51,867,912, C>T on the plus strand (G>A on the coding strand, the complement: PKHD1 is on the minus strand). VCF-style: chr6-51867912-C-T. GRCh37 (hg19) VCF-style: chr6-51732710-C-T.
Other names: c.7684G>A, p.Gly2562Ser (NM_170724.3); c.7684G>A (NM_138694.3); short protein forms G2562S.
Identifiers: ClinVar variation 1008818 (VCV001008818.15), dbSNP rs1358906875, ClinGen allele CA364418304.

ClinVar aggregate classification (germline): Uncertain significance. Review status: criteria provided, multiple submitters, no conflicts (2 of 4 stars). 3 submissions from 3 submitters: Uncertain significance (2). 1 of the submissions does not count toward it. Last evaluated 2024-07-14.

Conditions:
Inborn genetic diseases. Identifiers: MedGen C0950123, MeSH D030342.
Autosomal recessive polycystic kidney disease (ARPKD). Also called: AR polycystic kidney disease. Identifiers: Orphanet 731, Orphanet 8378, MedGen C0085548, MeSH D017044, MONDO:0009889.

Allele frequency attached by ClinVar (database versions not stated): gnomAD exomes below 0.00001.
gnomAD v4.1: 3 of 1,613,146 alleles (0.00019%); no homozygotes.

Submissions (3):

Ambry Genetics
Classification: Uncertain significance for Inborn genetic diseases. Last evaluated: 2024-07-14. Review status: criteria provided, single submitter. Criteria: Ambry Variant Classification Scheme 2023. Collection method: clinical testing. Allele origin: germline.

Labcorp Genetics (formerly Invitae), Labcorp
Classification: Uncertain significance for Autosomal recessive polycystic kidney disease. Last evaluated: 2022-02-24. Review status: criteria provided, single submitter. Criteria: Invitae Variant Classification Sherloc (09022015). Collection method: clinical testing. Allele origin: germline.
Comment: Algorithms developed to predict the effect of sequence changes on RNA splicing suggest that this variant may create or strengthen a splice site. In summary, the available evidence is currently insufficient to determine the role of this variant in disease. Therefore, it has been classified as a Variant of Uncertain Significance. Advanced modeling of protein sequence and biophysical properties (such as structural, functional, and spatial information, amino acid conservation, physicochemical variation, residue mobility, and thermodynamic stability) performed at Invitae indicates that this missense variant is expected to disrupt PKHD1 protein function. This sequence change replaces glycine, which is neutral and non-polar, with serine, which is neutral and polar, at codon 2562 of the PKHD1 protein (p.Gly2562Ser). This variant is present in population databases (no rsID available, gnomAD 0.0009%). This variant has not been reported in the literature in individuals affected with PKHD1-related conditions. ClinVar contains an entry for this variant (Variation ID: 1008818).

Natera, Inc.
Classification: Uncertain significance for Autosomal recessive polycystic kidney disease. Last evaluated: 2020-02-10. Review status: no assertion criteria provided. Collection method: clinical testing. Allele origin: germline. Not counted in ClinVar's aggregate classification.